The following is an entry in ClinVar:

NM_001164508.2(NEB):c.8219C>T (p.Thr2740Ile)

Gene: NEB (nebulin; minus strand). Cytogenetic location: 2q23.3.
Variant type: single nucleotide variant.
Coding change: c.8219C>T on transcript NM_001164508.2 (MANE Select); coding-DNA position 8219, C replaced by T.
Protein change: p.Thr2740Ile; replaces threonine 2740 with isoleucine.
Molecular consequence: missense variant.
Genome position (GRCh38, 1-based): chr2:151,642,811, G>A on the plus strand (C>T on the coding strand, the complement: NEB is on the minus strand). VCF-style: chr2-151642811-G-A. GRCh37 (hg19) VCF-style: chr2-152499325-G-A.
Other names: c.8219C>T, p.Thr2740Ile (NM_001164507.2, NM_001271208.2, NM_004543.5); short protein forms T2740I.
Identifiers: ClinVar variation 965539 (VCV000965539.4), dbSNP rs763429938, ClinGen allele CA348812841.

ClinVar aggregate classification (germline): Uncertain significance. Review status: criteria provided, multiple submitters, no conflicts (2 of 4 stars). 2 submissions from 2 submitters: Uncertain significance (2). Last evaluated 2023-10-26.

Conditions:
Nemaline myopathy 2 (NEM2). Also called: Nemaline myopathy 2, autosomal recessive. Identifiers: MedGen C1850569, MONDO:0009725, OMIM 256030.

gnomAD v4.1: 1 of 1,613,008 alleles (0.000062%); highest among the groups gnomAD compares: Admixed American, 0.0017%; no homozygotes.

Submissions (2):

GeneDx
Classification: Uncertain significance. Last evaluated: 2023-10-26. Review status: criteria provided, single submitter. Criteria: GeneDx Variant Classification Process June 2021. Collection method: clinical testing. Allele origin: germline. Affected: yes.
Comment: Not observed at significant frequency in large population cohorts (gnomAD); In silico analysis supports that this missense variant has a deleterious effect on protein structure/function; Has not been previously published as pathogenic or benign to our knowledge

Labcorp Genetics (formerly Invitae), Labcorp
Classification: Uncertain significance for Nemaline myopathy 2. Last evaluated: 2021-09-01. Review status: criteria provided, single submitter. Criteria: Invitae Variant Classification Sherloc (09022015). Collection method: clinical testing. Allele origin: germline.
Comment: This sequence change replaces threonine with isoleucine at codon 2740 of the NEB protein (p.Thr2740Ile). The threonine residue is moderately conserved and there is a moderate physicochemical difference between threonine and isoleucine. This variant is not present in population databases (ExAC no frequency). This variant has not been reported in the literature in individuals affected with NEB-related conditions. Algorithms developed to predict the effect of missense changes on protein structure and function are either unavailable or do not agree on the potential impact of this missense change (SIFT: "Deleterious"; PolyPhen-2: "Not Available"; Align-GVGD: "Class C0"). In summary, the available evidence is currently insufficient to determine the role of this variant in disease. Therefore, it has been classified as a Variant of Uncertain Significance.